The following is an entry in ClinVar:

NM_000169.3(GLA):c.369+13A>G

Genes: GLA (galactosidase alpha; minus strand), RPL36A-HNRNPH2 (RPL36A-HNRNPH2 readthrough; plus strand). Cytogenetic location: Xq22.1.
Variant type: single nucleotide variant.
Coding change: c.369+13A>G on transcript NM_000169.3 (MANE Select); 13 bases into the intron after coding-DNA position 369, A replaced by G.
Molecular consequence: intron variant.
Genome position (GRCh38, 1-based): chrX:101,403,798, T>C on the plus strand (A>G on the coding strand, the complement: GLA is on the minus strand). VCF-style: chrX-101403798-T-C. GRCh37 (hg19) VCF-style: chrX-100658786-T-C.
Other names: c.301-8138T>C (NM_001199973.2); c.178-8138T>C (NM_001199974.2); c.492+13A>G (NM_001406747.1, NM_001406749.1); c.369+13A>G (NM_001406748.1).
Identifiers: ClinVar variation 3630321 (VCV003630321.2).

ClinVar aggregate classification (germline): Uncertain significance (1 of 4 stars; one submission).

Conditions:
Fabry disease. Also called: Fabry's disease; ALPHA-GALACTOSIDASE A DEFICIENCY; ANDERSON-FABRY DISEASE; CERAMIDE TRIHEXOSIDASE DEFICIENCY; GLA DEFICIENCY; HEREDITARY DYSTOPIC LIPIDOSIS. Identifiers: Orphanet 324, MedGen C0002986, MONDO:0010526, OMIM 301500, HP:0001071. Disease mechanism: Fabry disease is due to inactivating mutations in the X-linked GLA gene resulting in deficiency of the enzyme Alpha Galactosidase-A., loss of function.

gnomAD v4.1: 1 of 1,200,142 alleles (0.000083%); highest among the groups gnomAD compares: East Asian, 0.003%; no homozygotes.

Submission:

Labcorp Genetics (formerly Invitae), Labcorp
Classification: Uncertain significance for Fabry disease. Last evaluated: 2025-01-23. Review status: criteria provided, single submitter. Criteria: Invitae Variant Classification Sherloc (09022015). Collection method: clinical testing. Allele origin: germline.
Comment: This sequence change falls in intron 2 of the GLA gene. It does not directly change the encoded amino acid sequence of the GLA protein. This variant is not present in population databases (gnomAD no frequency). This variant has not been reported in the literature in individuals affected with GLA-related conditions. Algorithms developed to predict the effect of sequence changes on RNA splicing suggest that this variant may create or strengthen a splice site. In summary, the available evidence is currently insufficient to determine the role of this variant in disease. Therefore, it has been classified as a Variant of Uncertain Significance.